The following is an entry in ClinVar:

ClinVar aggregate classification (germline): Uncertain significance. Review status: criteria provided, multiple submitters, no conflicts (2 of 4 stars). 2 submissions from 2 submitters: Uncertain significance (2). Last evaluated 2026-01-16.

Conditions:
Inborn genetic diseases. Identifiers: MedGen C0950123, MeSH D030342.

gnomAD v4.1: 32 of 1,610,372 alleles (0.002%); highest among the groups gnomAD compares: South Asian, 0.0077%; 1 homozygote.

Submissions (2):

Women's Health and Genetics/Laboratory Corporation of America, LabCorp
Classification: Uncertain significance. Last evaluated: 2026-01-16. Review status: criteria provided, single submitter. Criteria: LabCorp Variant Classification Summary - May 2015. Collection method: clinical testing. Allele origin: germline.
Comment: Variant summary: KCNQ4 c.1346C>T (p.Thr449Met) results in a non-conservative amino acid change in the encoded protein sequence. Algorithms developed to predict the effect of missense changes on protein structure and function are either unavailable or do not agree on the potential impact of this missense change. The variant allele was found at a frequency of 3.3e-05 in 239782 control chromosomes. The available data on variant occurrences in the general population are insufficient to allow any conclusion about variant significance. To our knowledge, no occurrence of c.1346C>T in individuals affected with KCNQ4-related conditions and no experimental evidence demonstrating its impact on protein function have been reported. ClinVar contains an entry for this variant (Variation ID: 3287738). Based on the evidence outlined above, the variant was classified as uncertain significance.

Ambry Genetics
Classification: Uncertain significance for Inborn genetic diseases. Last evaluated: 2024-03-16. Review status: criteria provided, single submitter. Criteria: Ambry Variant Classification Scheme 2023. Collection method: clinical testing. Allele origin: germline.

NM_004700.4(KCNQ4):c.1346C>T (p.Thr449Met)

Gene: KCNQ4 (potassium voltage-gated channel subfamily Q member 4; plus strand). Cytogenetic location: 1p34.2.
Variant type: single nucleotide variant.
Coding change: c.1346C>T on transcript NM_004700.4 (MANE Select); coding-DNA position 1346, C replaced by T.
Protein change: p.Thr449Met; replaces threonine 449 with methionine.
Molecular consequence: missense variant.
Genome position (GRCh38, 1-based): chr1:40,831,137, C>T. VCF-style: chr1-40831137-C-T. GRCh37 (hg19) VCF-style: chr1-41296809-C-T.
Other names: c.1184C>T, p.Thr395Met (NM_172163.3); short protein forms T395M, T449M.
Identifiers: ClinVar variation 3287738 (VCV003287738.2).